The following is an entry in ClinVar:

ClinVar aggregate classification (germline): Likely pathogenic (1 of 4 stars; one submission).

Conditions:
Long QT syndrome (LQTS). Identifiers: MedGen C0023976, MeSH D008133, MONDO:0002442. Disease mechanism: loss of function. Inheritance: Various modes of inheritance.

Submission:

Labcorp Genetics (formerly Invitae), Labcorp
Classification: Likely pathogenic for Long QT syndrome. Last evaluated: 2018-06-25. Review status: criteria provided, single submitter. Criteria: Invitae Variant Classification Sherloc (09022015). Collection method: clinical testing. Allele origin: unknown.
Comment: This variant results in a copy number gain of the genomic region encompassing exons 6-13 of the KCNH2 gene (c.1129-832_3108dup).¬†The duplicated copy of this region is in tandem and results in an absent or disrupted protein product. This variant has not been reported in the literature in individuals with KCNH2-related disease. Loss-of-function variants in KCNH2 are known to be pathogenic (PMID:¬†19862833). In summary, the currently available evidence indicates that the variant is pathogenic, but additional data are needed to prove that conclusively. Therefore, this variant has been classified as Likely Pathogenic.

NC_000007.13:g.(?_150644460)_(150650773_?)dup

Gene: KCNH2 (potassium voltage-gated channel subfamily H member 2; minus strand). Cytogenetic location: 7q36.1.
Variant type: Duplication.
Identifiers: ClinVar variation 3245703 (VCV003245703.1).